The following is an entry in ClinVar:

NM_000059.4(BRCA2):c.4284del (p.Gln1429fs)

Gene: BRCA2 (BRCA2 DNA repair associated; plus strand). Cytogenetic location: 13q13.1.
Variant type: Deletion.
Coding change: c.4284del on transcript NM_000059.4 (MANE Select); coding-DNA position 4284, one base deleted (T; older notation c.4284delT).
Protein change: p.Gln1429fs; shifts the reading frame from glutamine 1429.
Molecular consequence: frameshift variant.
Genome position (GRCh38, 1-based): chr13:32,338,639, T deleted; the last of 6 consecutive T bases (chr13:32,338,634-32,338,639); deleting any one gives the same sequence. VCF-style (leftmost placement, unchanged base first): chr13-32338633-AT-A. GRCh37 (hg19) VCF-style: chr13-32912770-AT-A.
Other names: c.4284delT (NM_000059.4, NM_000059.3); short protein forms Q1429fs.
Identifiers: ClinVar variation 560356 (VCV000560356.5), dbSNP rs80359439, ClinGen allele CA658823573.
Genomic context (GRCh38, chr13:32,338,633, plus strand): 5'-AGAACAGTTAACTGCTACTAAAACGGAGCAAAATATAAAAGATTTTGAGACTTCTGATAC[AT>A]TTTTTCAGACTGCAAGTGGGAAAAATATTAGTGTCGCCAAAGAGTCATTTAATAAAATTG-3'

ClinVar aggregate classification (germline): Pathogenic. Review status: criteria provided, single submitter (1 of 4 stars). 3 submissions from 3 submitters: Pathogenic (1). 2 of the submissions do not count toward it. Last evaluated 2025-08-01.

Conditions:
Hereditary cancer-predisposing syndrome. Also called: Hereditary neoplastic syndrome; Neoplastic Syndromes, Hereditary; Tumor predisposition; Hereditary Cancer Syndrome. Identifiers: Orphanet 140162, MedGen C0027672, MeSH D009386, MONDO:0015356.
Familial cancer of breast. Also called: hereditary breast carcinoma; Hereditary breast cancer; BREAST CANCER, FAMILIAL. Identifiers: Orphanet 227535, MedGen C0346153, MONDO:0016419, OMIM 114480. Disease mechanism: loss of function.
Ovarian neoplasm. Also called: Ovarian tumor; Ovarian Neoplasms; Neoplasm of ovary. Identifiers: MedGen C0919267, MeSH D010051, MONDO:0021068, HP:0100615.

Submissions (3):

Ambry Genetics
Classification: Pathogenic for Hereditary cancer-predisposing syndrome. Last evaluated: 2025-08-01. Review status: criteria provided, single submitter. Criteria: Ambry Variant Classification Scheme 2023. Collection method: clinical testing. Allele origin: germline.
Comment: The c.4284delT pathogenic mutation, located in coding exon 10 of the BRCA2 gene, results from a deletion of one nucleotide at nucleotide position 4284, causing a translational frameshift with a predicted alternate stop codon (p.Q1429Rfs*19). This alteration was identified in an individual diagnosed with breast cancer (Lattimore V et al. Breast Cancer Res Treat, 2021 Feb;185:583-590). This variant is considered to be rare based on population cohorts in the Genome Aggregation Database (gnomAD). This alteration is expected to result in loss of function by premature protein truncation or nonsense-mediated mRNA decay. As such, this alteration is interpreted as a disease-causing mutation.

Genomic Center, National Cancer Institute
Classification: Pathogenic for Familial cancer of breast. Review status: no assertion criteria provided. Collection method: case-control. Allele origin: germline. Affected: yes. Not counted in ClinVar's aggregate classification.

Institute of Human Genetics, University of Wuerzburg
Classification: Pathogenic for Ovarian neoplasm. Review status: no assertion criteria provided. Collection method: clinical testing. Allele origin: unknown. Not counted in ClinVar's aggregate classification.

Literature cited by the submitters: PubMed 33113089 (cited by Ambry Genetics).